The following is an entry in ClinVar:

ClinVar aggregate classification (germline): Benign/Likely benign. Review status: criteria provided, multiple submitters, no conflicts (2 of 4 stars). 16 submissions from 16 submitters: Benign (7); Likely benign (8). 1 of the submissions does not count toward it. Last evaluated 2026-04-01.

Conditions:
Hereditary cancer-predisposing syndrome. Also called: Tumor predisposition; Hereditary neoplastic syndrome; Hereditary Cancer Syndrome; Neoplastic Syndromes, Hereditary. Identifiers: Orphanet 140162, MedGen C0027672, MeSH D009386, MONDO:0015356.
Familial cancer of breast. Also called: Hereditary breast cancer; hereditary breast carcinoma; BREAST CANCER, FAMILIAL. Identifiers: Orphanet 227535, MedGen C0346153, MONDO:0016419, OMIM 114480. Disease mechanism: loss of function.
Malignant tumor of breast. Also called: Cancer breast; Malignant breast neoplasm. Identifiers: MedGen C0006142, MONDO:0007254. Disease mechanism: loss of function.

Allele frequency attached by ClinVar (database versions not stated): gnomAD 0.00004 and 0.00035; ESP Exome Variant Server 0.00008; TOPMed 0.00008; gnomAD exomes 0.00051 and 0.00100; ExAC 0.00107; 1000 Genomes Project 0.00120; 1000 Genomes Project 30x 0.00156.
gnomAD v4.1: 809 of 1,610,076 alleles (0.05%); highest among the groups gnomAD compares: South Asian, 0.81%; 8 homozygotes.

Submissions (16):

CeGaT Center for Human Genetics Tuebingen
Classification: Likely benign. Last evaluated: 2026-04-01. Review status: criteria provided, single submitter. Criteria: CeGaT Center For Human Genetics Tuebingen Variant Classification Criteria Version 2. Collection method: clinical testing. Allele origin: germline. Affected: yes. Observed: 5 variant alleles.
Comment: BARD1: BS1

Dasa
Classification: Likely benign. Last evaluated: 2026-03-18. Review status: criteria provided, single submitter. Criteria: DASA Assertion Criteria. Collection method: clinical testing. Allele origin: germline.
Comment: NM_000465.4(BARD1):c.253G>T (p.Val85Leu) is a missense variant that results in the substitution of valine with leucine. Population frequency is inconsistent with a disease-causing role for this variant, and observations in unaffected individuals support a benign interpretation. Therefore, based on the currently available evidence, this variant is classified as likely benign.

Labcorp Genetics (formerly Invitae), Labcorp
Classification: Benign for Familial cancer of breast. Last evaluated: 2026-02-01. Review status: criteria provided, single submitter. Criteria: Invitae Variant Classification Sherloc (09022015). Collection method: clinical testing. Allele origin: germline.

Center for Genomic Medicine, Rigshospitalet, Copenhagen University Hospital
Classification: Likely benign. Last evaluated: 2025-03-04. Review status: criteria provided, single submitter. Criteria: ACMG Guidelines, 2015. Collection method: clinical testing. Allele origin: germline.

Blueprint Genetics
Classification: Likely benign. Last evaluated: 2024-11-18. Review status: criteria provided, single submitter. Criteria: ACMG Guidelines, 2015. Collection method: clinical testing. Allele origin: germline.

Myriad Genetics, Inc.
Classification: Likely benign for Familial cancer of breast. Last evaluated: 2024-07-19. Review status: criteria provided, single submitter. Criteria: Myriad Autosomal Dominant, Autosomal Recessive and X-Linked Classification Criteria (2023). Collection method: clinical testing. Allele origin: unknown.
Comment: This variant is considered likely benign. This variant is strongly associated with less severe personal and family histories of cancer, typical for individuals without pathogenic variants in this gene [PMID: 25085752].

Sema4
Classification: Benign for Hereditary cancer-predisposing syndrome. Last evaluated: 2021-05-14. Review status: criteria provided, single submitter. Criteria: Sema4 Curation Guidelines. Collection method: curation. Allele origin: germline.

Quest Diagnostics Nichols Institute San Juan Capistrano
Classification: Benign. Last evaluated: 2019-06-29. Review status: criteria provided, single submitter. Criteria: Quest Diagnostics criteria. Collection method: clinical testing. Allele origin: germline.

Genetic Services Laboratory, University of Chicago
Classification: Benign. Last evaluated: 2019-03-13. Review status: criteria provided, single submitter. Criteria: ACMG Guidelines, 2015. Collection method: clinical testing. Allele origin: germline. Affected: no.

GeneDx
Classification: Benign. Last evaluated: 2018-08-20. Review status: criteria provided, single submitter. Criteria: GeneDx Variant Classification Process June 2021. Collection method: clinical testing. Allele origin: germline. Affected: yes.
Comment: This variant is associated with the following publications: (PMID: 27153395, 30925164, 20077502, 26738429, 28202063)

Ambry Genetics
Classification: Likely benign for Hereditary cancer-predisposing syndrome. Last evaluated: 2018-05-09. Review status: criteria provided, single submitter. Criteria: Ambry Variant Classification Scheme 2023. Collection method: clinical testing. Allele origin: germline.

PreventionGenetics, part of Exact Sciences
Classification: Benign. Last evaluated: 2017-08-03. Review status: criteria provided, single submitter. Criteria: ACMG Guidelines, 2015. Collection method: clinical testing. Allele origin: germline.

Women's Health and Genetics/Laboratory Corporation of America, LabCorp
Classification: Benign. Last evaluated: 2016-02-15. Review status: criteria provided, single submitter. Criteria: LabCorp Variant Classification Summary - May 2015. Collection method: clinical testing. Allele origin: germline.

Color Diagnostics, LLC DBA Color Health
Classification: Likely benign for Hereditary cancer-predisposing syndrome. Last evaluated: 2015-08-11. Review status: criteria provided, single submitter. Criteria: ACMG Guidelines, 2015. Collection method: clinical testing. Allele origin: germline.

Breakthrough Genomics
Classification: Likely benign. Review status: criteria provided, single submitter. Criteria: ACMG Guidelines, 2015. Collection method: not provided. Allele origin: germline. Inheritance: Autosomal dominant inheritance. Affected: yes.

Department of Pathology and Laboratory Medicine, Sinai Health System
Classification: Likely benign for Malignant tumor of breast. Review status: no assertion criteria provided. Collection method: clinical testing. Allele origin: unknown. Affected: yes. Study: The Canadian Open Genetics Repository (COGR). Not counted in ClinVar's aggregate classification.
Comment: The BARD1 p.Val85Leu variant was identified in 2 of 482 proband chromosomes (frequency: 0.004) from individuals or families with breast cancer and was present in 2 of 450 control chromosomes (frequency: 0.004) from healthy individuals (De Brakeleer 2010, Jalkh 2017). The variant was also identified in the following databases: dbSNP (ID: rs370359540) as With Uncertain significance allele, ClinVar (classified as uncertain significance by Ambry Genetics, GeneDx; classified as benign by Invitae), Clinvitae (classified as uncertain significance by ClinVar), and the Zhejiang Colon Cancer Database. The variant was not identified in Cosmic, or MutDB databases. The variant was identified in control databases in 256 (3 homozygous) of 275536 chromosomes at a frequency of 0.001 in the following populations: South Asian in 247 of 30554 chromosomes (freq. 0.008), European Non-Finnish in 5 of 126084 chromosomes (freq. 0.00004), African in 2 of 23898 chromosomes (freq. 0.0001), East Asian in 1 of 18764 chromosomes (freq. 0.0001), Other in 1 of 6380 chromosomes (freq. 0.0001), increasing the likelihood this could be a low frequency benign variant in certain populations of origin (Genome Aggregation Consortium Feb 27, 2017). The p.Val85 residue is conserved in mammals and computational analyses (PolyPhen-2, SIFT, AlignGVGD, BLOSUM, MutationTaster) provide inconsistent predictions regarding the impact to the protein; this information is not very predictive of pathogenicity. The variant occurs outside of the splicing consensus sequence and 2 of 5 in silico or computational prediction software programs (SpliceSiteFinder, MaxEntScan, NNSPLICE, GeneSplicer, HumanSpliceFinder) predict a greater than 10% difference in splicing; this is not very predictive of pathogenicity. The variant was identified with a co-occurring pathogenic BRCA1 variant (c.C4327T p.R1443X), increasing the likelihood that the p.Val85Leu variant does not have clinical significance (Jalkh 2017). In summary, based on the above information, the clinical significance of this variant cannot be determined with certainty at this time although we would lean towards a more benign role for this variant. This variant is classified as likely benign.

Literature cited by the submitters: PubMed 25085752 (cited by Myriad Genetics, Inc.); PubMed 30925164 (cited by Quest Diagnostics Nichols Institute San Juan Capistrano); PubMed 28202063 (cited by Quest Diagnostics Nichols Institute San Juan Capistrano and Ambry Genetics); PubMed 20077502 (cited by 3 submitters).

NM_000465.4(BARD1):c.253G>T (p.Val85Leu)

Gene: BARD1 (BRCA1 associated RING domain 1; minus strand). Cytogenetic location: 2q35.
Variant type: single nucleotide variant.
Coding change: c.253G>T on transcript NM_000465.4 (MANE Select); coding-DNA position 253, G replaced by T.
Protein change: p.Val85Leu; replaces valine 85 with leucine.
Molecular consequence: missense variant. On other transcripts: non-coding transcript variant (1), intron variant (2).
Genome position (GRCh38, 1-based): chr2:214,792,408, C>A on the plus strand (G>T on the coding strand, the complement: BARD1 is on the minus strand). VCF-style: chr2-214792408-C-A. GRCh37 (hg19) VCF-style: chr2-215657132-C-A.
Other names: c.196G>T, p.Val66Leu (NM_001282543.2); c.253G>T, p.Val85Leu (NM_001282549.2); c.158+17004G>T (NM_001282548.2); c.215+4653G>T (NM_001282545.2); short protein forms V85L, V66L.
Identifiers: ClinVar variation 142450 (VCV000142450.60), dbSNP rs370359540, ClinGen allele CA168390.